The following is an entry in ClinVar:

NM_000093.5(COL5A1):c.4758del (p.Asn1586fs)

Genes: COL5A1 (collagen type V alpha 1 chain; plus strand), LOC101448202 (uncharacterized LOC101448202; minus strand). Cytogenetic location: 9q34.3.
Variant type: Deletion.
Coding change: c.4758del on transcript NM_000093.5 (MANE Select); coding-DNA position 4758, one base deleted (C; older notation c.4758delC).
Protein change: p.Asn1586fs; shifts the reading frame from asparagine 1586.
Molecular consequence: frameshift variant.
Genome position (GRCh38, 1-based): chr9:134,824,659, C deleted. VCF-style (leftmost placement, unchanged base first): chr9-134824658-AC-A. GRCh37 (hg19) VCF-style: chr9-137716504-AC-A.
Other names: c.4758del, p.Asn1586fs (NM_001278074.1); short protein forms N1586fs.
Identifiers: ClinVar variation 3656848 (VCV003656848.2).

ClinVar aggregate classification (germline): Pathogenic (1 of 4 stars; one submission).

Conditions:
Ehlers-Danlos syndrome, classic type, 1 (EDSCL1). Also called: EHLERS-DANLOS SYNDROME, GRAVIS TYPE; EHLERS-DANLOS SYNDROME, SEVERE CLASSIC TYPE; Ehlers-Danlos syndrome, type 1; Ehlers-Danlos Syndrome, Classic Type, COL5A1-Related; EDS I. Identifiers: MedGen C0268335, MONDO:0019567, OMIM 130000.

Submission:

Labcorp Genetics (formerly Invitae), Labcorp
Classification: Pathogenic for Ehlers-Danlos syndrome, classic type, 1. Last evaluated: 2024-06-22. Review status: criteria provided, single submitter. Criteria: Invitae Variant Classification Sherloc (09022015). Collection method: clinical testing. Allele origin: germline.
Comment: This sequence change creates a premature translational stop signal (p.Asn1586Lysfs*33) in the COL5A1 gene. It is expected to result in an absent or disrupted protein product. Loss-of-function variants in COL5A1 are known to be pathogenic (PMID: 23587214). This variant is not present in population databases (gnomAD no frequency). This variant has not been reported in the literature in individuals affected with COL5A1-related conditions. For these reasons, this variant has been classified as Pathogenic.

Literature cited by the submitters: PubMed 23587214.